The following is an entry in ClinVar:

NM_024675.4(PALB2):c.3373G>T (p.Asp1125Tyr)

Gene: PALB2 (partner and localizer of BRCA2; minus strand). Cytogenetic location: 16p12.2.
Variant type: single nucleotide variant.
Coding change: c.3373G>T on transcript NM_024675.4 (MANE Select); coding-DNA position 3373, G replaced by T.
Protein change: p.Asp1125Tyr; replaces aspartic acid 1125 with tyrosine.
Molecular consequence: missense variant.
Genome position (GRCh38, 1-based): chr16:23,603,647, C>A on the plus strand (G>T on the coding strand, the complement: PALB2 is on the minus strand). VCF-style: chr16-23603647-C-A. GRCh37 (hg19) VCF-style: chr16-23614968-C-A.
Other names: short protein forms D1125Y.
Identifiers: ClinVar variation 220669 (VCV000220669.28), dbSNP rs146444298, ClinGen allele CA349824.
Genomic context (GRCh38, chr16:23,603,647, plus strand): 5'-CGAGAAGTAAGTCCCAAATGGCAATTGTTCCAGAAGTCAAGATTGCTGCTGCACAGTGAT[C>A]TTTCACGTCACCTTCCAGGAACCTGATAGCATACAAAGAAGATATAATTCAGATTACATA-3'
Protein context (NP_078951.2, residues 1115-1135): AGRFLEGDVK[Asp1125Tyr]HCAAAILTSG

ClinVar aggregate classification (germline): Uncertain significance. Review status: criteria provided, multiple submitters, no conflicts (2 of 4 stars). 7 submissions from 7 submitters: Uncertain significance (5). 2 of the submissions do not count toward it. Last evaluated 2025-12-29.

Conditions:
PALB2-related disorder. Also called: PALB2-related disorders; PALB2-related condition.
Hereditary cancer-predisposing syndrome. Also called: Hereditary neoplastic syndrome; Tumor predisposition; Hereditary Cancer Syndrome; Neoplastic Syndromes, Hereditary. Identifiers: Orphanet 140162, MedGen C0027672, MeSH D009386, MONDO:0015356.
Familial cancer of breast. Also called: hereditary breast carcinoma; Hereditary breast cancer; BREAST CANCER, FAMILIAL. Identifiers: Orphanet 227535, MedGen C0346153, MONDO:0016419, OMIM 114480. Disease mechanism: loss of function.

Allele frequency attached by ClinVar (database versions not stated): TOPMed below 0.00001; gnomAD 0.00001; ESP Exome Variant Server 0.00008.
gnomAD v4.1: 3 of 1,613,602 alleles (0.00019%); highest among the groups gnomAD compares: Admixed American, 0.0017%; no homozygotes.

Submissions (7):

Labcorp Genetics (formerly Invitae), Labcorp
Classification: Uncertain significance for Familial cancer of breast. Last evaluated: 2025-12-29. Review status: criteria provided, single submitter. Criteria: Invitae Variant Classification Sherloc (09022015). Collection method: clinical testing. Allele origin: germline.
Comment: This sequence change replaces aspartic acid, which is acidic and polar, with tyrosine, which is neutral and polar, at codon 1125 of the PALB2 protein (p.Asp1125Tyr). This variant is present in population databases (rs146444298, gnomAD 0.003%). This variant has not been reported in the literature in individuals affected with PALB2-related conditions. ClinVar contains an entry for this variant (Variation ID: 220669). An algorithm developed to predict the effect of missense changes on protein structure and function (PolyPhen-2) suggests that this variant is likely to be disruptive. In summary, the available evidence is currently insufficient to determine the role of this variant in disease. Therefore, it has been classified as a Variant of Uncertain Significance.

Ambry Genetics
Classification: Uncertain significance for Hereditary cancer-predisposing syndrome. Last evaluated: 2025-12-03. Review status: criteria provided, single submitter. Criteria: Ambry Variant Classification Scheme 2023. Collection method: clinical testing. Allele origin: germline.
Comment: The p.D1125Y variant (also known as c.3373G>T), located in coding exon 13 of the PALB2 gene, results from a G to T substitution at nucleotide position 3373. The aspartic acid at codon 1125 is replaced by tyrosine, an amino acid with highly dissimilar properties. In a study characterizing the structural impact of missense variants in PALB2 using multiple prediction models, this alteration was predicted to disrupt salt bridge formation with lysine at position 1062 and position 1124 and was also predicted to alter metal binding (Nawar N et al. Bioinformation, 2021 Mar;17:424-438). This amino acid position is well conserved in available vertebrate species. In addition, this alteration is predicted to be tolerated by in silico analysis. Since supporting evidence is limited at this time, the clinical significance of this alteration remains unclear.

Color Diagnostics, LLC DBA Color Health
Classification: Uncertain significance for Hereditary cancer-predisposing syndrome. Last evaluated: 2024-12-17. Review status: criteria provided, single submitter. Criteria: ACMG Guidelines, 2015. Collection method: clinical testing. Allele origin: germline.
Comment: This missense variant replaces aspartic acid with tyrosine at codon 1125 of the PALB2 protein. Computational prediction suggests that this variant may not impact protein structure and function. To our knowledge, functional studies have not been reported for this variant. This variant has not been reported in individuals affected with hereditary cancer in the literature. This variant has been identified in 3/282746 chromosomes in the general population by the Genome Aggregation Database (gnomAD). The available evidence is insufficient to determine the role of this variant in disease conclusively. Therefore, this variant is classified as a Variant of Uncertain Significance.

Myriad Genetics, Inc.
Classification: Uncertain significance for Familial cancer of breast. Last evaluated: 2023-03-30. Review status: criteria provided, single submitter. Criteria: Myriad Autosomal Dominant, Autosomal Recessive and X-Linked Classification Criteria (2023). Collection method: clinical testing. Allele origin: unknown.
Comment: This variant is classified as a variant of uncertain significance as there is insufficient evidence to determine its impact on protein function and/or cancer risk.

GeneDx
Classification: Uncertain significance. Last evaluated: 2021-05-10. Review status: criteria provided, single submitter. Criteria: GeneDx Variant Classification Process June 2021. Collection method: clinical testing. Allele origin: germline. Affected: yes.
Comment: Not observed at a significant frequency in large population cohorts (Lek et al., 2016); In silico analysis, which includes protein predictors and evolutionary conservation, supports a deleterious effect; Has not been previously published as pathogenic or benign to our knowledge

PreventionGenetics, part of Exact Sciences
Classification: Uncertain significance for PALB2-related condition. Last evaluated: 2024-02-14. Review status: no assertion criteria provided. Collection method: clinical testing. Allele origin: germline. Not counted in ClinVar's aggregate classification.
Comment: The PALB2 c.3373G>T variant is predicted to result in the amino acid substitution p.Asp1125Tyr. To our knowledge, this variant has not been reported in the literature. This variant is reported in 0.0028% of alleles in individuals of Latino descent in gnomAD. This variant has been classified as uncertain by multiple independent submitters to the ClinVar database. At this time, the clinical significance of this variant is uncertain due to the absence of conclusive functional and genetic evidence.

Counsyl
Classification: Uncertain significance for Familial cancer of breast. Last evaluated: 2017-08-09. Review status: no assertion criteria provided. Collection method: clinical testing. Allele origin: unknown. Not counted in ClinVar's aggregate classification.

Literature cited by the submitters: PubMed 34092963 (cited by Ambry Genetics).